The following is an entry in ClinVar:

ClinVar aggregate classification (germline): Benign/Likely benign. Review status: criteria provided, multiple submitters, no conflicts (2 of 4 stars). 5 submissions from 5 submitters: Benign (4); Likely benign (1). Last evaluated 2026-02-02.

Conditions:
Propionic acidemia (PROP). Also called: GLYCINEMIA, KETOTIC; HYPERGLYCINEMIA WITH KETOACIDOSIS AND LEUKOPENIA; KETOTIC HYPERGLYCINEMIA. Identifiers: Orphanet 35, MedGen C0268579, MONDO:0011628, OMIM 606054, HP:0003571.

Allele frequency attached by ClinVar (database versions not stated): ESP Exome Variant Server 0.00154; gnomAD 0.00169 and 0.00256; TOPMed 0.00191; 1000 Genomes Project 0.01018; 1000 Genomes Project 30x 0.01031.

Submissions (5):

Labcorp Genetics (formerly Invitae), Labcorp
Classification: Benign for Propionic acidemia. Last evaluated: 2026-02-02. Review status: criteria provided, single submitter. Criteria: Invitae Variant Classification Sherloc (09022015). Collection method: clinical testing. Allele origin: germline.

Fulgent Genetics
Classification: Likely benign for Propionic acidemia. Last evaluated: 2021-10-08. Review status: criteria provided, single submitter. Criteria: ACMG Guidelines, 2015. Collection method: clinical testing. Allele origin: unknown.

Eurofins Ntd Llc (ga)
Classification: Benign. Last evaluated: 2017-01-31. Review status: criteria provided, single submitter. Criteria: EGL Classification Definitions 2015. Collection method: clinical testing. Allele origin: germline. Observed: 1 variant allele, 1 heterozygote.

GeneDx
Classification: Benign. Last evaluated: 2016-09-06. Review status: criteria provided, single submitter. Criteria: GeneDx Variant Classification (06012015). Collection method: clinical testing. Allele origin: germline. Affected: yes.
Comment: This variant is considered likely benign or benign based on one or more of the following criteria: it is a conservative change, it occurs at a poorly conserved position in the protein, it is predicted to be benign by multiple in silico algorithms, and/or has population frequency not consistent with disease.

Breakthrough Genomics
Classification: Benign. Review status: criteria provided, single submitter. Criteria: ACMG Guidelines, 2015. Collection method: not provided. Allele origin: germline. Inheritance: Autosomal recessive inheritance. Affected: yes.

NM_000282.4(PCCA):c.1284+16G>A

Gene: PCCA (propionyl-CoA carboxylase subunit alpha; plus strand). Cytogenetic location: 13q32.3.
Variant type: single nucleotide variant.
Coding change: c.1284+16G>A on transcript NM_000282.4 (MANE Select); 16 bases into the intron after coding-DNA position 1284, G replaced by A.
Molecular consequence: intron variant.
Genome position (GRCh38, 1-based): chr13:100,303,014, G>A. VCF-style: chr13-100303014-G-A. GRCh37 (hg19) VCF-style: chr13-100955268-G-A.
Other names: c.1284+16G>A (NM_001178004.2, NM_001352605.2, NM_001352609.2); c.1140+16G>A (NM_001352606.2); c.339+16G>A (NM_001352610.2, NM_001352611.2); c.195+16G>A (NM_001352612.2); c.1206+16G>A (NM_001127692.3, NM_001352607.2); c.1062+16G>A (NM_001352608.2).
Identifiers: ClinVar variation 388428 (VCV000388428.14), dbSNP rs113610934, ClinGen allele CA7033567.